The following is an entry in ClinVar:

ClinVar aggregate classification (germline): Pathogenic (1 of 4 stars; one submission).

Submission:

Labcorp Genetics (formerly Invitae), Labcorp
Classification: Pathogenic. Last evaluated: 2024-01-28. Review status: criteria provided, single submitter. Criteria: Invitae Variant Classification Sherloc (09022015). Collection method: clinical testing. Allele origin: germline.
Comment: This sequence change creates a premature translational stop signal (p.Val116Serfs*18) in the GRHPR gene. It is expected to result in an absent or disrupted protein product. Loss-of-function variants in GRHPR are known to be pathogenic (PMID: 25644115). This variant is not present in population databases (gnomAD no frequency). This variant has not been reported in the literature in individuals affected with GRHPR-related conditions. For these reasons, this variant has been classified as Pathogenic.

Literature cited by the submitters: PubMed 25644115.

NM_012203.2(GRHPR):c.346del (p.Val116fs)

Gene: GRHPR (glyoxylate and hydroxypyruvate reductase; plus strand). Cytogenetic location: 9p13.2.
Variant type: Deletion.
Coding change: c.346del on transcript NM_012203.2 (MANE Select); coding-DNA position 346, one base deleted (G; older notation c.346delG).
Protein change: p.Val116fs; shifts the reading frame from valine 116.
Molecular consequence: frameshift variant.
Genome position (GRCh38, 1-based): chr9:37,426,596, G deleted. VCF-style (leftmost placement, unchanged base first): chr9-37426595-AG-A. GRCh37 (hg19) VCF-style: chr9-37426592-AG-A.
Other names: short protein forms V116fs.
Identifiers: ClinVar variation 2710570 (VCV002710570.3), dbSNP rs2489236032, ClinGen allele CA2697557748.